The following is an entry in ClinVar:

NM_001136472.2(LITAF):c.409T>G (p.Cys137Gly)

Gene: LITAF (lipopolysaccharide induced TNF factor; minus strand). Cytogenetic location: 16p13.13.
Variant type: single nucleotide variant.
Coding change: c.409T>G on transcript NM_001136472.2 (MANE Select); coding-DNA position 409, T replaced by G.
Protein change: p.Cys137Gly; replaces cysteine 137 with glycine.
Molecular consequence: missense variant. On other transcripts: 3 prime UTR variant (1), non-coding transcript variant (1).
Genome position (GRCh38, 1-based): chr16:11,549,714, A>C on the plus strand (T>G on the coding strand, the complement: LITAF is on the minus strand). VCF-style: chr16-11549714-A-C. GRCh37 (hg19) VCF-style: chr16-11643570-A-C.
Other names: c.*48T>G (NM_001136473.1); c.409T>G, p.Cys137Gly (NM_004862.4); short protein forms C137G.
Identifiers: ClinVar variation 1470260 (VCV001470260.8), dbSNP rs2064155943, ClinGen allele CA394763544.

ClinVar aggregate classification (germline): Uncertain significance (1 of 4 stars; one submission).

Conditions:
Charcot-Marie-Tooth disease type 1C. Also called: CHARCOT-MARIE-TOOTH NEUROPATHY, TYPE 1C; NEUROPATHY, HEREDITARY MOTOR AND SENSORY, TYPE IC; CHARCOT-MARIE-TOOTH DISEASE, DEMYELINATING, TYPE 1C; Charcot-Marie-Tooth disease, type IC; CMT, SLOW NERVE CONDUCTION TYPE C; HMSN IC. Identifiers: Orphanet 101083, MedGen C0270913, MONDO:0010995, OMIM 601098.

Submission:

Labcorp Genetics (formerly Invitae), Labcorp
Classification: Uncertain significance for Charcot-Marie-Tooth disease type 1C. Last evaluated: 2021-03-07. Review status: criteria provided, single submitter. Criteria: Invitae Variant Classification Sherloc (09022015). Collection method: clinical testing. Allele origin: germline.
Comment: This sequence change replaces cysteine with glycine at codon 137 of the LITAF protein (p.Cys137Gly). The cysteine residue is moderately conserved and there is a large physicochemical difference between cysteine and glycine. This variant is not present in population databases (ExAC no frequency). This variant has not been reported in the literature in individuals with LITAF-related conditions. Algorithms developed to predict the effect of missense changes on protein structure and function are either unavailable or do not agree on the potential impact of this missense change (SIFT: "Deleterious"; PolyPhen-2: "Probably Damaging"; Align-GVGD: "Class C0"). In summary, the available evidence is currently insufficient to determine the role of this variant in disease. Therefore, it has been classified as a Variant of Uncertain Significance.